The following is an entry in ClinVar:

ClinVar aggregate classification (germline): Uncertain significance (1 of 4 stars; one submission).

Conditions:
Infantile-onset ascending hereditary spastic paralysis (IAHSP). Also called: Autosomal Recessive Juvenile Amyotrophic Lateral Sclerosis; Infantile-Onset Ascending Hereditary Spastic Paralysis (IAHSP). Identifiers: Orphanet 293168, MedGen C2931441, MONDO:0011797, OMIM 607225. Disease mechanism: loss of function.

Submission:

Labcorp Genetics (formerly Invitae), Labcorp
Classification: Uncertain significance for Infantile-onset ascending hereditary spastic paralysis. Last evaluated: 2021-10-28. Review status: criteria provided, single submitter. Criteria: Invitae Variant Classification Sherloc (09022015). Collection method: clinical testing. Allele origin: germline.
Comment: In summary, the available evidence is currently insufficient to determine the role of this variant in disease. Therefore, it has been classified as a Variant of Uncertain Significance. Algorithms developed to predict the effect of missense changes on protein structure and function (SIFT, PolyPhen-2, Align-GVGD) all suggest that this variant is likely to be tolerated. This variant has not been reported in the literature in individuals affected with ALS2-related conditions. This variant is not present in population databases (gnomAD no frequency). This sequence change replaces asparagine, which is neutral and polar, with aspartic acid, which is acidic and polar, at codon 86 of the ALS2 protein (p.Asn86Asp).

NM_020919.4(ALS2):c.256A>G (p.Asn86Asp)

Gene: ALS2 (alsin Rho guanine nucleotide exchange factor ALS2; minus strand). Cytogenetic location: 2q33.1.
Variant type: single nucleotide variant.
Coding change: c.256A>G on transcript NM_020919.4 (MANE Select); coding-DNA position 256, A replaced by G.
Protein change: p.Asn86Asp; replaces asparagine 86 with aspartic acid.
Molecular consequence: missense variant.
Genome position (GRCh38, 1-based): chr2:201,761,738, T>C on the plus strand (A>G on the coding strand, the complement: ALS2 is on the minus strand). VCF-style: chr2-201761738-T-C. GRCh37 (hg19) VCF-style: chr2-202626461-T-C.
Other names: c.256A>G, p.Asn86Asp (NM_001135745.2); short protein forms N86D.
Identifiers: ClinVar variation 1350111 (VCV001350111.6), dbSNP rs2106090029, ClinGen allele CA350329248.